The following is an entry in ClinVar:

ClinVar aggregate classification (germline): Uncertain significance (1 of 4 stars; one submission).

Conditions:
Hypertrophic cardiomyopathy. Also called: HYPERTROPHIC MYOCARDIOPATHY. Identifiers: Orphanet 217569, MedGen C0007194, MeSH D002312, MONDO:0005045, HP:0001639.

Submission:

Labcorp Genetics (formerly Invitae), Labcorp
Classification: Uncertain significance for Hypertrophic cardiomyopathy. Last evaluated: 2023-12-22. Review status: criteria provided, single submitter. Criteria: Invitae Variant Classification Sherloc (09022015). Collection method: clinical testing. Allele origin: germline.
Comment: This sequence change replaces glycine, which is neutral and non-polar, with arginine, which is basic and polar, at codon 90 of the MYOZ2 protein (p.Gly90Arg). This variant is not present in population databases (gnomAD no frequency). This variant has not been reported in the literature in individuals affected with MYOZ2-related conditions. ClinVar contains an entry for this variant (Variation ID: 1368413). Advanced modeling of protein sequence and biophysical properties (such as structural, functional, and spatial information, amino acid conservation, physicochemical variation, residue mobility, and thermodynamic stability) performed at Invitae indicates that this missense variant is not expected to disrupt MYOZ2 protein function with a negative predictive value of 80%. Algorithms developed to predict the effect of sequence changes on RNA splicing suggest that this variant may disrupt the consensus splice site. In summary, the available evidence is currently insufficient to determine the role of this variant in disease. Therefore, it has been classified as a Variant of Uncertain Significance.

NM_016599.5(MYOZ2):c.268G>A (p.Gly90Arg)

Gene: MYOZ2 (myozenin 2; plus strand). Cytogenetic location: 4q26.
Variant type: single nucleotide variant.
Coding change: c.268G>A on transcript NM_016599.5 (MANE Select); coding-DNA position 268, G replaced by A.
Protein change: p.Gly90Arg; replaces glycine 90 with arginine.
Molecular consequence: missense variant.
Genome position (GRCh38, 1-based): chr4:119,158,043, G>A. VCF-style: chr4-119158043-G-A. GRCh37 (hg19) VCF-style: chr4-120079198-G-A.
Other names: short protein forms G90R.
Identifiers: ClinVar variation 1368413 (VCV001368413.6), dbSNP rs1035375546, ClinGen allele CA104971224.